The following is an entry in ClinVar:

NM_033026.6(PCLO):c.13030A>T (p.Ile4344Phe)

Gene: PCLO (piccolo presynaptic cytomatrix protein; minus strand). Cytogenetic location: 7q21.11.
Variant type: single nucleotide variant.
Coding change: c.13030A>T on transcript NM_033026.6 (MANE Select); coding-DNA position 13030, A replaced by T.
Protein change: p.Ile4344Phe; replaces isoleucine 4344 with phenylalanine.
Molecular consequence: missense variant.
Genome position (GRCh38, 1-based): chr7:82,914,956, T>A on the plus strand (A>T on the coding strand, the complement: PCLO is on the minus strand). VCF-style: chr7-82914956-T-A. GRCh37 (hg19) VCF-style: chr7-82544272-T-A.
Other names: c.13030A>T, p.Ile4344Phe (NM_014510.3); short protein forms I4344F.
Identifiers: ClinVar variation 2010568 (VCV002010568.4), dbSNP rs372923895, ClinGen allele CA367884272.

ClinVar aggregate classification (germline): Uncertain significance (1 of 4 stars; one submission).

gnomAD v4.1: 1 of 1,613,734 alleles (0.000062%); highest among the groups gnomAD compares: Non-Finnish European, 0.000085%; no homozygotes.

Submission:

Labcorp Genetics (formerly Invitae), Labcorp
Classification: Uncertain significance. Last evaluated: 2022-06-25. Review status: criteria provided, single submitter. Criteria: Invitae Variant Classification Sherloc (09022015). Collection method: clinical testing. Allele origin: germline.
Comment: This sequence change replaces isoleucine, which is neutral and non-polar, with phenylalanine, which is neutral and non-polar, at codon 4344 of the PCLO protein (p.Ile4344Phe). This variant is not present in population databases (gnomAD no frequency). This variant has not been reported in the literature in individuals affected with PCLO-related conditions. Algorithms developed to predict the effect of missense changes on protein structure and function are either unavailable or do not agree on the potential impact of this missense change (SIFT: "Deleterious"; PolyPhen-2: "Not Available"; Align-GVGD: "Class C0"). In summary, the available evidence is currently insufficient to determine the role of this variant in disease. Therefore, it has been classified as a Variant of Uncertain Significance.